The following is an entry in ClinVar:

NM_001042492.3(NF1):c.3905A>G (p.Asp1302Gly)

Gene: NF1 (neurofibromin 1; plus strand). Cytogenetic location: 17q11.2.
Variant type: single nucleotide variant.
Coding change: c.3905A>G on transcript NM_001042492.3 (MANE Select); coding-DNA position 3905, A replaced by G.
Protein change: p.Asp1302Gly; replaces aspartic acid 1302 with glycine.
Molecular consequence: missense variant.
Genome position (GRCh38, 1-based): chr17:31,235,952, A>G. VCF-style: chr17-31235952-A-G. GRCh37 (hg19) VCF-style: chr17-29562970-A-G.
Other names: c.3905A>G, p.Asp1302Gly (NM_000267.4); short protein forms D1302G.
Identifiers: ClinVar variation 939566 (VCV000939566.7), dbSNP rs2067194038, ClinGen allele CA398993107.
Genomic context (GRCh38, chr17:31,235,952, plus strand): 5'-AAACTCCTATTCGTGCATTTCTGTAGGTATATGGTGCTACCTATCTACAAAAACTCCTGG[A>G]TCCTTTATTACGAATTGTGATCACATCCTCTGATTGGCAACATGTTAGCTTTGAAGTGGA-3'
Protein context (NP_001035957.1, residues 1292-1312): YGATYLQKLL[Asp1302Gly]PLLRIVITSS

ClinVar aggregate classification (germline): Uncertain significance. Review status: criteria provided, multiple submitters, no conflicts (2 of 4 stars). 2 submissions from 2 submitters: Uncertain significance (2). Last evaluated 2025-04-12.

Conditions:
Hereditary cancer-predisposing syndrome. Also called: Tumor predisposition; Hereditary neoplastic syndrome; Neoplastic Syndromes, Hereditary; Hereditary Cancer Syndrome. Identifiers: Orphanet 140162, MedGen C0027672, MeSH D009386, MONDO:0015356.
Cardiovascular phenotype. Identifiers: MedGen CN230736.
Neurofibromatosis, type 1 (NF1). Also called: Peripheral type neurofibromatosis; VON RECKLINGHAUSEN DISEASE; Neurofibromatosis, type I; NEUROFIBROMATOSIS, TYPE I, SOMATIC. Identifiers: Orphanet 636, MedGen C0027831, MONDO:0018975, OMIM 162200. Disease mechanism: loss of function.

Submissions (2):

Ambry Genetics
Classification: Uncertain significance for Cardiovascular phenotype; Hereditary cancer-predisposing syndrome. Last evaluated: 2025-04-12. Review status: criteria provided, single submitter. Criteria: Ambry Variant Classification Scheme 2023. Collection method: clinical testing. Allele origin: germline.
Comment: The p.D1302G variant (also known as c.3905A>G), located in coding exon 29 of the NF1 gene, results from an A to G substitution at nucleotide position 3905. The aspartic acid at codon 1302 is replaced by glycine, an amino acid with similar properties. This amino acid position is conserved. In addition, the in silico prediction for this alteration is inconclusive. Based on the available evidence, the clinical significance of this variant remains unclear.

Labcorp Genetics (formerly Invitae), Labcorp
Classification: Uncertain significance for Neurofibromatosis, type 1. Last evaluated: 2024-04-29. Review status: criteria provided, single submitter. Criteria: Invitae Variant Classification Sherloc (09022015). Collection method: clinical testing. Allele origin: germline.
Comment: This sequence change replaces aspartic acid, which is acidic and polar, with glycine, which is neutral and non-polar, at codon 1302 of the NF1 protein (p.Asp1302Gly). This variant is not present in population databases (gnomAD no frequency). This variant has not been reported in the literature in individuals affected with NF1-related conditions. ClinVar contains an entry for this variant (Variation ID: 939566). Advanced modeling of protein sequence and biophysical properties (such as structural, functional, and spatial information, amino acid conservation, physicochemical variation, residue mobility, and thermodynamic stability) performed at Invitae indicates that this missense variant is not expected to disrupt NF1 protein function with a negative predictive value of 95%. In summary, the available evidence is currently insufficient to determine the role of this variant in disease. Therefore, it has been classified as a Variant of Uncertain Significance.